The following is an entry in ClinVar:

NM_001080467.3(MYO5B):c.1566G>C (p.Gln522His)

Gene: MYO5B (myosin VB; minus strand). Cytogenetic location: 18q21.1.
Variant type: single nucleotide variant.
Coding change: c.1566G>C on transcript NM_001080467.3 (MANE Select); coding-DNA position 1566, G replaced by C.
Protein change: p.Gln522His; replaces glutamine 522 with histidine.
Molecular consequence: missense variant.
Genome position (GRCh38, 1-based): chr18:49,954,415, C>G on the plus strand (G>C on the coding strand, the complement: MYO5B is on the minus strand). VCF-style: chr18-49954415-C-G. GRCh37 (hg19) VCF-style: chr18-47480785-C-G.
Other names: short protein forms Q522H.
Identifiers: ClinVar variation 4742129 (VCV004742129.1).

ClinVar aggregate classification (germline): Uncertain significance (1 of 4 stars; one submission).

gnomAD v4.1: 3 of 1,613,988 alleles (0.00019%); highest among the groups gnomAD compares: African/African-American, 0.004%; no homozygotes.

Submission:

Labcorp Genetics (formerly Invitae), Labcorp
Classification: Uncertain significance. Last evaluated: 2025-11-06. Review status: criteria provided, single submitter. Criteria: Invitae Variant Classification Sherloc (09022015). Collection method: clinical testing. Allele origin: germline.
Comment: This sequence change replaces glutamine, which is neutral and polar, with histidine, which is basic and polar, at codon 522 of the MYO5B protein (p.Gln522His). This variant is present in population databases (rs538616740, gnomAD 0.007%). This variant has not been reported in the literature in individuals affected with MYO5B-related conditions. Invitae Evidence Modeling of protein sequence and biophysical properties (such as structural, functional, and spatial information, amino acid conservation, physicochemical variation, residue mobility, and thermodynamic stability) indicates that this missense variant is not expected to disrupt MYO5B protein function with a negative predictive value of 80%. In summary, the available evidence is currently insufficient to determine the role of this variant in disease. Therefore, it has been classified as a Variant of Uncertain Significance.